The following is an entry in ClinVar:

ClinVar aggregate classification (germline): Conflicting classifications of pathogenicity. Review status: criteria provided, conflicting classifications (1 of 4 stars). 7 submissions from 7 submitters: Uncertain significance (1); Benign (4); Likely benign (2). Last evaluated 2026-01-18.

Conditions:
Hereditary cancer-predisposing syndrome. Also called: Tumor predisposition; Hereditary Cancer Syndrome; Hereditary neoplastic syndrome; Neoplastic Syndromes, Hereditary. Identifiers: Orphanet 140162, MedGen C0027672, MeSH D009386, MONDO:0015356.
Tuberous sclerosis syndrome (TSC). Also called: Tuberous Sclerosis Complex; Tuberous sclerosis. Identifiers: Orphanet 805, MedGen C0041341, MONDO:0001734.
Tuberous sclerosis 2 (TSC2). Identifiers: Orphanet 805, MedGen C1860707, MONDO:0013199, OMIM 613254.

Allele frequency attached by ClinVar (database versions not stated): gnomAD exomes 0.00003 and 0.00006; TOPMed 0.00003; ExAC 0.00004; gnomAD 0.00006; 1000 Genomes Project 30x 0.00016; 1000 Genomes Project 0.00020.
gnomAD v4.1: 47 of 1,612,526 alleles (0.0029%); highest among the groups gnomAD compares: East Asian, 0.08%; no homozygotes.

Submissions (7):

Labcorp Genetics (formerly Invitae), Labcorp
Classification: Benign for Tuberous sclerosis 2. Last evaluated: 2026-01-18. Review status: criteria provided, single submitter. Criteria: Invitae Variant Classification Sherloc (09022015). Collection method: clinical testing. Allele origin: germline.

Myriad Genetics, Inc.
Classification: Benign for Tuberous sclerosis 2. Last evaluated: 2025-06-09. Review status: criteria provided, single submitter. Criteria: Myriad Autosomal Dominant, Autosomal Recessive and X-Linked Classification Criteria (2023). Collection method: clinical testing. Allele origin: unknown.
Comment: This variant is considered benign. This variant is a silent/synonymous amino acid change and it is not expected to impact splicing.

Color Diagnostics, LLC DBA Color Health
Classification: Uncertain significance for Tuberous sclerosis syndrome. Last evaluated: 2024-07-23. Review status: criteria provided, single submitter. Criteria: ACMG Guidelines, 2015. Collection method: clinical testing. Allele origin: germline.
Comment: This variant is located in the TSC2 protein. To our knowledge, functional studies have not been reported for this variant. This variant has not been reported in individuals affected with TSC2-related disorders in the literature. This variant has been identified in 18/281426 chromosomes in the general population by the Genome Aggregation Database (gnomAD). The available evidence is insufficient to determine the role of this variant in disease conclusively. Therefore, this variant is classified as a Variant of Uncertain Significance.

Genome-Nilou Lab
Classification: Benign for Tuberous sclerosis 2. Last evaluated: 2021-11-07. Review status: criteria provided, single submitter. Criteria: ACMG Guidelines, 2015. Collection method: clinical testing. Allele origin: germline. Affected: no.

GeneDx
Classification: Benign. Last evaluated: 2020-03-25. Review status: criteria provided, single submitter. Criteria: GeneDx Variant Classification Process June 2021. Collection method: clinical testing. Allele origin: germline. Affected: yes.

Ambry Genetics
Classification: Likely benign for Hereditary cancer-predisposing syndrome. Last evaluated: 2019-09-19. Review status: criteria provided, single submitter. Criteria: Ambry Variant Classification Scheme 2023. Collection method: clinical testing. Allele origin: germline.

PreventionGenetics, part of Exact Sciences
Classification: Likely benign. Review status: criteria provided, single submitter. Criteria: ACMG Guidelines, 2015. Collection method: clinical testing. Allele origin: germline.

NM_000548.5(TSC2):c.5319T>C (p.His1773=)

Gene: TSC2 (TSC complex subunit 2; plus strand). Cytogenetic location: 16p13.3.
Variant type: single nucleotide variant.
Coding change: c.5319T>C on transcript NM_000548.5 (MANE Select); coding-DNA position 5319, T replaced by C.
Protein change: p.His1773=; no amino-acid change (histidine 1773 retained).
Molecular consequence: synonymous variant.
Genome position (GRCh38, 1-based): chr16:2,088,505, T>C. VCF-style: chr16-2088505-T-C. GRCh37 (hg19) VCF-style: chr16-2138506-T-C.
Other names: c.5118T>C, p.His1706= (NM_001077183.3); c.5250T>C, p.His1750= (NM_001114382.3); c.5010T>C, p.His1670= (NM_001318827.2); c.4974T>C, p.His1658= (NM_001318829.2); c.4587T>C, p.His1529= (NM_001318831.2); c.5151T>C, p.His1717= (NM_001318832.2); c.5121T>C, p.His1707= (NM_001363528.2); c.5187T>C, p.His1729= (NM_001370404.1); and 2 more.
Identifiers: ClinVar variation 238084 (VCV000238084.21), dbSNP rs536518032, ClinGen allele CA055081.